The following is an entry in ClinVar:

NM_000152.5(GAA):c.955+167C>T

Gene: GAA (alpha glucosidase; plus strand). Cytogenetic location: 17q25.3.
Variant type: single nucleotide variant.
Coding change: c.955+167C>T on transcript NM_000152.5 (MANE Select); 167 bases into the intron after coding-DNA position 955, C replaced by T.
Molecular consequence: intron variant.
Genome position (GRCh38, 1-based): chr17:80,108,063, C>T. VCF-style: chr17-80108063-C-T. GRCh37 (hg19) VCF-style: chr17-78081862-C-T.
Other names: c.955+167C>T (NM_001079803.3, NM_001079804.3).
Identifiers: ClinVar variation 1216653 (VCV001216653.4), dbSNP rs77717164, ClinGen allele CA294891537.

ClinVar aggregate classification (germline): Likely benign. Review status: criteria provided, multiple submitters, no conflicts (2 of 4 stars). 2 submissions from 2 submitters: Likely benign (2). Last evaluated 2026-07-01.

Conditions:
Glycogen storage disease, type II (IOPD). Also called: CARDIOMEGALIA GLYCOGENICA DIFFUSA; GLYCOGENOSIS, GENERALIZED, CARDIAC FORM; GSD II; Glycogen storage disease type 2; Acid maltase deficiency disease; Aglucosidase alfa. Identifiers: Orphanet 365, MedGen C0017921, MONDO:0009290, OMIM 232300.

Allele frequency attached by ClinVar (database versions not stated): gnomAD 0.00411 and 0.00486; TOPMed 0.00456; 1000 Genomes Project 30x 0.01562; 1000 Genomes Project 0.01597.
gnomAD v4.1: 733 of 152,316 alleles (0.48%); highest among the groups gnomAD compares: East Asian, 6.4%; 14 homozygotes.

Submissions (2):

Genomenon, Inc
Classification: Likely benign for Glycogen storage disease, type II. Last evaluated: 2026-07-01. Review status: criteria provided, single submitter. Criteria: Genomenon Sequence Variant Interpretation Standards - Updated. Collection method: curation. Allele origin: germline. Affected: no.
Comment: GAA c.955+167C>T is an intronic variant located in intron 5. This variant has been reported in the published literature (PMID:33560568). This variant is not predicted to impact splicing. This variant’s allele frequency in gnomAD is greater than expected for this disorder. In conclusion, we classify GAA c.955+167C>T as a likely benign variant.

GeneDx
Classification: Likely benign. Last evaluated: 2018-06-29. Review status: criteria provided, single submitter. Criteria: GeneDx Variant Classification Process June 2021. Collection method: clinical testing. Allele origin: germline. Affected: yes.

Literature cited by the submitters: PubMed 33560568 (cited by Genomenon, Inc).